The following is an entry in ClinVar:

ClinVar aggregate classification (germline): Uncertain significance (1 of 4 stars; one submission).

Allele frequency attached by ClinVar (database versions not stated): gnomAD exomes below 0.00001; TOPMed below 0.00001.
gnomAD v4.1: 2 of 1,614,040 alleles (0.00012%); highest among the groups gnomAD compares: Non-Finnish European, 0.00017%; no homozygotes.

Submission:

Labcorp Genetics (formerly Invitae), Labcorp
Classification: Uncertain significance. Last evaluated: 2022-06-20. Review status: criteria provided, single submitter. Criteria: Invitae Variant Classification Sherloc (09022015). Collection method: clinical testing. Allele origin: germline.
Comment: This sequence change replaces threonine, which is neutral and polar, with alanine, which is neutral and non-polar, at codon 434 of the PTPN23 protein (p.Thr434Ala). This variant is not present in population databases (gnomAD no frequency). This variant has not been reported in the literature in individuals affected with PTPN23-related conditions. Algorithms developed to predict the effect of missense changes on protein structure and function are either unavailable or do not agree on the potential impact of this missense change (SIFT: "Tolerated"; PolyPhen-2: "Not Available"; Align-GVGD: "Class C0"). In summary, the available evidence is currently insufficient to determine the role of this variant in disease. Therefore, it has been classified as a Variant of Uncertain Significance.

NM_015466.4(PTPN23):c.1300A>G (p.Thr434Ala)

Gene: PTPN23 (protein tyrosine phosphatase non-receptor type 23; plus strand). Cytogenetic location: 3p21.31.
Variant type: single nucleotide variant.
Coding change: c.1300A>G on transcript NM_015466.4 (MANE Select); coding-DNA position 1300, A replaced by G.
Protein change: p.Thr434Ala; replaces threonine 434 with alanine.
Molecular consequence: missense variant.
Genome position (GRCh38, 1-based): chr3:47,408,460, A>G. VCF-style: chr3-47408460-A-G. GRCh37 (hg19) VCF-style: chr3-47449950-A-G.
Other names: c.922A>G, p.Thr308Ala (NM_001304482.2); short protein forms T434A, T308A.
Identifiers: ClinVar variation 2079199 (VCV002079199.1), dbSNP rs1201266420, ClinGen allele CA352552632.